The following is an entry in ClinVar:

NM_001035.3(RYR2):c.11331G>A (p.Met3777Ile)

Gene: RYR2 (ryanodine receptor 2; plus strand). Cytogenetic location: 1q43.
Variant type: single nucleotide variant.
Coding change: c.11331G>A on transcript NM_001035.3 (MANE Select); coding-DNA position 11331, G replaced by A.
Protein change: p.Met3777Ile; replaces methionine 3777 with isoleucine.
Molecular consequence: missense variant.
Genome position (GRCh38, 1-based): chr1:237,759,781, G>A. VCF-style: chr1-237759781-G-A. GRCh37 (hg19) VCF-style: chr1-237923081-G-A.
Other names: short protein forms M3777I.
Identifiers: ClinVar variation 1728925 (VCV001728925.2), dbSNP rs2527444428, ClinGen allele CA345428341.

ClinVar aggregate classification (germline): Uncertain significance (1 of 4 stars; one submission).

Conditions:
Cardiovascular phenotype. Identifiers: MedGen CN230736.

Submission:

Ambry Genetics
Classification: Uncertain significance for Cardiovascular phenotype. Last evaluated: 2022-04-04. Review status: criteria provided, single submitter. Criteria: Ambry Variant Classification Scheme 2023. Collection method: clinical testing. Allele origin: germline.
Comment: The p.M3777I variant (also known as c.11331G>A), located in coding exon 83 of the RYR2 gene, results from a G to A substitution at nucleotide position 11331. The methionine at codon 3777 is replaced by isoleucine, an amino acid with highly similar properties. This amino acid position is highly conserved in available vertebrate species. In addition, this alteration is predicted to be deleterious by in silico analysis. Since supporting evidence is limited at this time, the clinical significance of this alteration remains unclear.